The following is an entry in ClinVar:

NM_004958.4(MTOR):c.4253+9T>C

Gene: MTOR (mechanistic target of rapamycin kinase; minus strand). Cytogenetic location: 1p36.22.
Variant type: single nucleotide variant.
Coding change: c.4253+9T>C on transcript NM_004958.4 (MANE Select); 9 bases into the intron after coding-DNA position 4253, T replaced by C.
Molecular consequence: intron variant.
Genome position (GRCh38, 1-based): chr1:11,199,249, A>G on the plus strand (T>C on the coding strand, the complement: MTOR is on the minus strand). VCF-style: chr1-11199249-A-G. GRCh37 (hg19) VCF-style: chr1-11259306-A-G.
Identifiers: ClinVar variation 743282 (VCV000743282.12), dbSNP rs758656718, ClinGen allele CA590037.

ClinVar aggregate classification (germline): Likely benign. Review status: criteria provided, single submitter (1 of 4 stars). 2 submissions from 2 submitters: Likely benign (1). 1 of the submissions does not count toward it. Last evaluated 2025-01-27.

Conditions:
MTOR-related disorder. Also called: MTOR-related condition.

Allele frequency attached by ClinVar (database versions not stated): gnomAD 0.00003; TOPMed 0.00003; ExAC 0.00001; 1000 Genomes Project 30x 0.00016; gnomAD exomes below 0.00001.
gnomAD v4.1: 6 of 1,614,210 alleles (0.00037%); highest among the groups gnomAD compares: African/African-American, 0.008%; no homozygotes.

Submissions (2):

Labcorp Genetics (formerly Invitae), Labcorp
Classification: Likely benign. Last evaluated: 2025-01-27. Review status: criteria provided, single submitter. Criteria: Invitae Variant Classification Sherloc (09022015). Collection method: clinical testing. Allele origin: germline.

PreventionGenetics, part of Exact Sciences
Classification: Likely benign for MTOR-related condition. Last evaluated: 2024-09-12. Review status: no assertion criteria provided. Collection method: clinical testing. Allele origin: germline. Not counted in ClinVar's aggregate classification.
Comment: This variant is classified as likely benign based on ACMG/AMP sequence variant interpretation guidelines (Richards et al. 2015 PMID: 25741868, with internal and published modifications).